The following is an entry in ClinVar:

NM_000051.4(ATM):c.4552C>A (p.His1518Asn)

Gene: ATM (ATM serine/threonine kinase; plus strand). Cytogenetic location: 11q22.3.
Variant type: single nucleotide variant.
Coding change: c.4552C>A on transcript NM_000051.4 (MANE Select); coding-DNA position 4552, C replaced by A.
Protein change: p.His1518Asn; replaces histidine 1518 with asparagine.
Molecular consequence: missense variant.
Genome position (GRCh38, 1-based): chr11:108,292,734, C>A. VCF-style: chr11-108292734-C-A. GRCh37 (hg19) VCF-style: chr11-108163461-C-A.
Other names: c.4552C>A, p.His1518Asn (NM_001351834.2); short protein forms H1518N.
Identifiers: ClinVar variation 1516697 (VCV001516697.8), dbSNP rs2135800970, ClinGen allele CA382533823.

ClinVar aggregate classification (germline): Uncertain significance (1 of 4 stars; one submission).

Conditions:
Ataxia-telangiectasia syndrome (AT). Also called: Cerebello-oculocutaneous telangiectasia; Immunodeficiency with ataxia telangiectasia; ATAXIA-TELANGIECTASIA, COMPLEMENTATION GROUP A; ATAXIA-TELANGIECTASIA, FRESNO VARIANT; Ataxia-telangiectasia, complementation group E; LOUIS-BAR SYNDROME. Identifiers: Orphanet 100, MedGen C0004135, MONDO:0008840, OMIM 208900.

Submission:

Labcorp Genetics (formerly Invitae), Labcorp
Classification: Uncertain significance for Ataxia-telangiectasia syndrome. Last evaluated: 2021-03-14. Review status: criteria provided, single submitter. Criteria: Invitae Variant Classification Sherloc (09022015). Collection method: clinical testing. Allele origin: germline.
Comment: In summary, the available evidence is currently insufficient to determine the role of this variant in disease. Therefore, it has been classified as a Variant of Uncertain Significance. Advanced modeling of protein sequence and biophysical properties (such as structural, functional, and spatial information, amino acid conservation, physicochemical variation, residue mobility, and thermodynamic stability) performed at Invitae indicates that this missense variant is not expected to disrupt ATM protein function. This variant has not been reported in the literature in individuals with ATM-related conditions. This variant is not present in population databases (ExAC no frequency). This sequence change replaces histidine with asparagine at codon 1518 of the ATM protein (p.His1518Asn). The histidine residue is moderately conserved and there is a small physicochemical difference between histidine and asparagine.